The following is an entry in ClinVar:

NM_020338.4(ZMIZ1):c.3123C>A (p.Asp1041Glu)

Gene: ZMIZ1 (zinc finger MIZ-type containing 1; plus strand). Cytogenetic location: 10q22.3.
Variant type: single nucleotide variant.
Coding change: c.3123C>A on transcript NM_020338.4 (MANE Select); coding-DNA position 3123, C replaced by A.
Protein change: p.Asp1041Glu; replaces aspartic acid 1041 with glutamic acid.
Molecular consequence: missense variant.
Genome position (GRCh38, 1-based): chr10:79,312,668, C>A. VCF-style: chr10-79312668-C-A. GRCh37 (hg19) VCF-style: chr10-81072425-C-A.
Other names: short protein forms D1041E.
Identifiers: ClinVar variation 2070892 (VCV002070892.5), dbSNP rs760835622, ClinGen allele CA5573219.
Genomic context (GRCh38, chr10:79,312,668, plus strand): 5'-CCTCATCTGAACTTCATTACTCCTTCTTTTCCAGCTCCTTCCCGAACTCACAAATCCTGA[C>A]GAGCTCCTGTCTTATCTGGACCCCCCCGACCTGCCGAGCAATAGTAACGATGACCTCCTG-3'
Protein context (NP_065071.1, residues 1031-1051): LDLLPELTNP[Asp1041Glu]ELLSYLDPPD

ClinVar aggregate classification (germline): Uncertain significance. Review status: criteria provided, multiple submitters, no conflicts (2 of 4 stars). 2 submissions from 2 submitters: Uncertain significance (2). Last evaluated 2023-12-09.

Conditions:
Inborn genetic diseases. Identifiers: MedGen C0950123, MeSH D030342.

gnomAD v4.1: 8 of 1,614,084 alleles (0.0005%); highest among the groups gnomAD compares: Admixed American, 0.01%; no homozygotes.

Submissions (2):

Labcorp Genetics (formerly Invitae), Labcorp
Classification: Uncertain significance. Last evaluated: 2023-12-09. Review status: criteria provided, single submitter. Criteria: Invitae Variant Classification Sherloc (09022015). Collection method: clinical testing. Allele origin: germline.
Comment: This sequence change replaces aspartic acid, which is acidic and polar, with glutamic acid, which is acidic and polar, at codon 1041 of the ZMIZ1 protein (p.Asp1041Glu). This variant is present in population databases (rs760835622, gnomAD 0.01%). This variant has not been reported in the literature in individuals affected with ZMIZ1-related conditions. ClinVar contains an entry for this variant (Variation ID: 2070892). Advanced modeling of protein sequence and biophysical properties (such as structural, functional, and spatial information, amino acid conservation, physicochemical variation, residue mobility, and thermodynamic stability) performed at Invitae indicates that this missense variant is not expected to disrupt ZMIZ1 protein function with a negative predictive value of 80%. In summary, the available evidence is currently insufficient to determine the role of this variant in disease. Therefore, it has been classified as a Variant of Uncertain Significance.

Ambry Genetics
Classification: Uncertain significance for Inborn genetic diseases. Last evaluated: 2022-01-03. Review status: criteria provided, single submitter. Criteria: Ambry Variant Classification Scheme 2023. Collection method: clinical testing. Allele origin: germline.